The following is an entry in ClinVar:

ClinVar aggregate classification (germline): Uncertain significance (1 of 4 stars; one submission).

Submission:

Dasa
Classification: Uncertain significance. Last evaluated: 2024-12-16. Review status: criteria provided, single submitter. Criteria: DASA Assertion Criteria. Collection method: clinical testing. Allele origin: germline.
Comment: NM_001372.4(DNAH9):c.12660+1G>A affects a canonical splice site and is predicted to disrupt normal RNA splicing. This variant is absent from population databases. The currently available literature and clinical evidence are not sufficient to establish a definitive association between this variant and the reported condition. Therefore, this variant is classified as a variant of uncertain significance.

NM_001372.4(DNAH9):c.12660+1G>A

Gene: DNAH9 (dynein axonemal heavy chain 9; plus strand). Cytogenetic location: 17p12.
Variant type: single nucleotide variant.
Coding change: c.12660+1G>A on transcript NM_001372.4 (MANE Select); the canonical splice donor site of the intron after coding-DNA position 12660, G replaced by A.
Molecular consequence: splice donor variant.
Genome position (GRCh38, 1-based): chr17:11,937,523, G>A. VCF-style: chr17-11937523-G-A. GRCh37 (hg19) VCF-style: chr17-11840840-G-A.
Other names: c.1596+1G>A (NM_004662.2).
Identifiers: ClinVar variation 4883487 (VCV004883487.2).
Genomic context (GRCh38, chr17:11,937,523, plus strand): 5'-GAGCTGCAGCCTCGGGACAGCCAGGCCAGAGACGGAGCGGGCGCCACAAGAGAAGAAAAG[G>A]TGTGTGTGGTGGGGACTGCCTGAGGTCGTTCTGGGGGACCCCGAGGATCATAGATGCACA-3'